The following is an entry in ClinVar:

NM_052874.5(STX1B):c.479C>T (p.Thr160Ile)

Gene: STX1B (syntaxin 1B; minus strand). Cytogenetic location: 16p11.2.
Variant type: single nucleotide variant.
Coding change: c.479C>T on transcript NM_052874.5 (MANE Select); coding-DNA position 479, C replaced by T.
Protein change: p.Thr160Ile; replaces threonine 160 with isoleucine.
Molecular consequence: missense variant.
Genome position (GRCh38, 1-based): chr16:30,996,741, G>A on the plus strand (C>T on the coding strand, the complement: STX1B is on the minus strand). VCF-style: chr16-30996741-G-A. GRCh37 (hg19) VCF-style: chr16-31008062-G-A.
Other names: short protein forms T160I.
Identifiers: ClinVar variation 1715311 (VCV001715311.5), dbSNP rs2543959225, ClinGen allele CA395648773.

ClinVar aggregate classification (germline): Uncertain significance (1 of 4 stars; one submission).

Conditions:
Generalized epilepsy with febrile seizures plus, type 9 (GEFSP9). Also called: GEFS+, TYPE 9. Identifiers: Orphanet 36387, MedGen C4015395, MONDO:0014517, OMIM 616172.

Submission:

Labcorp Genetics (formerly Invitae), Labcorp
Classification: Uncertain significance for Generalized epilepsy with febrile seizures plus, type 9. Last evaluated: 2022-08-06. Review status: criteria provided, single submitter. Criteria: Invitae Variant Classification Sherloc (09022015). Collection method: clinical testing. Allele origin: germline.
Comment: Algorithms developed to predict the effect of missense changes on protein structure and function are either unavailable or do not agree on the potential impact of this missense change (SIFT: "Deleterious"; PolyPhen-2: "Benign"; Align-GVGD: "Class C15"). In summary, the available evidence is currently insufficient to determine the role of this variant in disease. Therefore, it has been classified as a Variant of Uncertain Significance. This variant has not been reported in the literature in individuals affected with STX1B-related conditions. This variant is not present in population databases (gnomAD no frequency). This sequence change replaces threonine, which is neutral and polar, with isoleucine, which is neutral and non-polar, at codon 160 of the STX1B protein (p.Thr160Ile).